The following is an entry in ClinVar:

ClinVar aggregate classification (germline): Likely benign (0 of 4 stars; one submission).

Conditions:
KIF22-related disorder. Also called: KIF22-related condition.

Allele frequency attached by ClinVar (database versions not stated): ExAC 0.00002; gnomAD 0.00002; TOPMed 0.00002; gnomAD exomes 0.00003.

Submission:

PreventionGenetics, part of Exact Sciences
Classification: Likely benign for KIF22-related condition. Last evaluated: 2023-08-16. Review status: no assertion criteria provided. Collection method: clinical testing. Allele origin: germline.
Comment: This variant is classified as likely benign based on ACMG/AMP sequence variant interpretation guidelines (Richards et al. 2015 PMID: 25741868, with internal and published modifications).

NM_007317.3(KIF22):c.1677+3del

Gene: KIF22 (kinesin family member 22; plus strand). Cytogenetic location: 16p11.2.
Variant type: Deletion.
Coding change: c.1677+3del on transcript NM_007317.3 (MANE Select); 3 bases into the intron after coding-DNA position 1677, one base deleted (G; older notation c.1677+3delG).
Molecular consequence: intron variant.
Genome position (GRCh38, 1-based): chr16:29,804,068, G deleted. VCF-style (leftmost placement, unchanged base first): chr16-29804067-TG-T. GRCh37 (hg19) VCF-style: chr16-29815388-TG-T.
Other names: c.1473+3del (NM_001256269.2, NM_001256270.1).
Identifiers: ClinVar variation 3029443 (VCV003029443.2), dbSNP rs752173819, ClinGen allele CA7993372.